The following is an entry in ClinVar:

ClinVar aggregate classification (germline): Conflicting classifications of pathogenicity. Review status: criteria provided, conflicting classifications (1 of 4 stars). 2 submissions from 2 submitters: Uncertain significance (1); Likely benign (1). Last evaluated 2023-05-03.

Allele frequency attached by ClinVar (database versions not stated): gnomAD exomes 0.00001 and 0.00002; TOPMed 0.00001; ExAC 0.00003.
gnomAD v4.1: 12 of 1,211,057 alleles (0.00099%); highest among the groups gnomAD compares: South Asian, 0.021%; no homozygotes.

Submissions (2):

Blueprint Genetics
Classification: Likely benign. Last evaluated: 2023-05-03. Review status: criteria provided, single submitter. Criteria: ACMG Guidelines, 2015. Collection method: clinical testing. Allele origin: germline.

Labcorp Genetics (formerly Invitae), Labcorp
Classification: Uncertain significance. Last evaluated: 2021-09-01. Review status: criteria provided, single submitter. Criteria: Invitae Variant Classification Sherloc (09022015). Collection method: clinical testing. Allele origin: germline.
Comment: This sequence change replaces valine with alanine at codon 1205 of the CACNA1F protein (p.Val1205Ala). The valine residue is moderately conserved and there is a small physicochemical difference between valine and alanine. This variant is present in population databases (rs782135065, ExAC 0.03%). This variant has not been reported in the literature in individuals affected with CACNA1F-related conditions. Algorithms developed to predict the effect of missense changes on protein structure and function are either unavailable or do not agree on the potential impact of this missense change (SIFT: "Deleterious"; PolyPhen-2: "Benign"; Align-GVGD: "Class C0"). In summary, the available evidence is currently insufficient to determine the role of this variant in disease. Therefore, it has been classified as a Variant of Uncertain Significance.

NM_001256789.3(CACNA1F):c.3581T>C (p.Val1194Ala)

Gene: CACNA1F (calcium voltage-gated channel subunit alpha1 F; minus strand). Cytogenetic location: Xp11.23.
Variant type: single nucleotide variant.
Coding change: c.3581T>C on transcript NM_001256789.3 (MANE Select); coding-DNA position 3581, T replaced by C.
Protein change: p.Val1194Ala; replaces valine 1194 with alanine.
Molecular consequence: missense variant.
Genome position (GRCh38, 1-based): chrX:49,215,102, A>G on the plus strand (T>C on the coding strand, the complement: CACNA1F is on the minus strand). VCF-style: chrX-49215102-A-G. GRCh37 (hg19) VCF-style: chrX-49071562-A-G.
Other names: c.3419T>C, p.Val1140Ala (NM_001256790.3); c.3614T>C, p.Val1205Ala (NM_005183.4); short protein forms V1140A, V1205A, V1194A.
Identifiers: ClinVar variation 1361321 (VCV001361321.6), dbSNP rs782135065, ClinGen allele CA10410428.
Genomic context (GRCh38, chrX:49,215,102, plus strand): 5'-AATAGGGTCAGGAGTCTGGCGGGGGTCAGGCAGGGATCTCAGACCTGCATGGCTAGGGCA[A>G]CTGTGTTGAGCAGGATGAGCAGGAACATCAGGTACTCAAAGGCAGCAGAGTTCACAGTGG-3'
Protein context (NP_001243718.1, residues 1184-1204): LMFLLILLNT[Val1194Ala]ALAMQHYEQT